The following is an entry in ClinVar:

ClinVar aggregate classification (germline): Uncertain significance. Review status: criteria provided, multiple submitters, no conflicts (2 of 4 stars). 2 submissions from 2 submitters: Uncertain significance (2). Last evaluated 2025-03-05.

Conditions:
SCLT1-related disorder. Also called: SCLT1-related condition.

Allele frequency attached by ClinVar (database versions not stated): TOPMed 0.00001.

Submissions (2):

PreventionGenetics, part of Exact Sciences
Classification: Uncertain significance for SCLT1-related condition. Last evaluated: 2025-03-05. Review status: criteria provided, single submitter. Criteria: ACMG Guidelines, 2015. Collection method: clinical testing. Allele origin: germline.
Comment: The SCLT1 c.660A>G variant is predicted to result in the amino acid substitution p.Ile220Met. To our knowledge, this variant has not been reported in the literature or in a large population database (gnomAD), indicating this variant is rare. At this time, the clinical significance of this variant is uncertain due to the absence of conclusive functional and genetic evidence.

Labcorp Genetics (formerly Invitae), Labcorp
Classification: Uncertain significance. Last evaluated: 2022-03-17. Review status: criteria provided, single submitter. Criteria: Invitae Variant Classification Sherloc (09022015). Collection method: clinical testing. Allele origin: germline.
Comment: This variant has not been reported in the literature in individuals affected with SCLT1-related conditions. Algorithms developed to predict the effect of missense changes on protein structure and function output the following: SIFT: "Tolerated"; PolyPhen-2: "Benign"; Align-GVGD: "Class C0". The methionine amino acid residue is found in multiple mammalian species, which suggests that this missense change does not adversely affect protein function. In summary, the available evidence is currently insufficient to determine the role of this variant in disease. Therefore, it has been classified as a Variant of Uncertain Significance. This variant is not present in population databases (gnomAD no frequency). This sequence change replaces isoleucine, which is neutral and non-polar, with methionine, which is neutral and non-polar, at codon 220 of the SCLT1 protein (p.Ile220Met).

NM_144643.4(SCLT1):c.660A>G (p.Ile220Met)

Gene: SCLT1 (sodium channel and clathrin linker 1; minus strand). Cytogenetic location: 4q28.2.
Variant type: single nucleotide variant.
Coding change: c.660A>G on transcript NM_144643.4 (MANE Select); coding-DNA position 660, A replaced by G.
Protein change: p.Ile220Met; replaces isoleucine 220 with methionine.
Molecular consequence: missense variant.
Genome position (GRCh38, 1-based): chr4:128,992,193, T>C on the plus strand (A>G on the coding strand, the complement: SCLT1 is on the minus strand). VCF-style: chr4-128992193-T-C. GRCh37 (hg19) VCF-style: chr4-129913348-T-C.
Other names: c.660A>G (NM_144643.3); short protein forms I220M.
Identifiers: ClinVar variation 1524268 (VCV001524268.8), dbSNP rs1742633592, ClinGen allele CA358189468.
Genomic context (GRCh38, chr4:128,992,193, plus strand): 5'-ACAATGAAATAATGAAACTCATTTTTGAAAATACCTAAGTTTTTTTCGGAGTTGTTCGAT[T>C]ATCACACTTTGTTCAGTTACTGTTTTCAGAAACTGTTGGTTAGTCTGCCACAAGAAAAAA-3'
Protein context (NP_653244.2, residues 210-230): FLKTVTEQSV[Ile220Met]IEQLRKKLRQ